The following is an entry in ClinVar:

ClinVar aggregate classification (germline): Uncertain significance. Review status: reviewed by expert panel (3 of 4 stars). 5 submissions from 5 submitters: Uncertain significance (1). 4 of the submissions do not count toward it. Last evaluated 2024-11-08.

Conditions:
Inborn genetic diseases. Identifiers: MedGen C0950123, MeSH D030342.
Creatine transporter deficiency (CCDS1). Also called: Creatine Transporter (CRTR) Deficiency; Mental retardation , X-linked with seizures, short stature and midface hypoplasia; Mental retardation , X-linked, with creatine transport deficiency; X-linked creatine transporter deficiency; X-linked creatine deficiency syndrome; SLC6A8-Related Creatine Transporter Deficiency. Identifiers: Orphanet 52503, MedGen C1845862, MONDO:0010305, OMIM 300352.
Creatine deficiency syndrome 1.

Allele frequency attached by ClinVar (database versions not stated): gnomAD exomes below 0.00001 and 0.00002; ExAC 0.00001; TOPMed 0.00001.
gnomAD v4.1: 5 of 1,210,476 alleles (0.00041%); highest among the groups gnomAD compares: Admixed American, 0.0065%; no homozygotes.

Submissions (5):

ClinGen Cerebral Creatine Deficiency Syndromes Variant Curation Expert Panel, ClinGen
Classification: Uncertain significance for Creatine transporter deficiency. Last evaluated: 2024-11-08. Review status: reviewed by expert panel. Criteria: ClinGen_CCDS_ACMG_Specifications_SLC6A8_v1.1. Collection method: curation. Allele origin: germline. Inheritance: X-linked inheritance.
Comment: The NM_005629.4:c.833G>A variant in SLC6A8 is a missense variant predicted to cause the substitution of an arginine by a histidine at amino acid position 278 (p.Arg278His). To our knowledge, this variant has not been reported in the literature and no functional studies are available. In gnomAD v2.1.1, the highest population minor allele frequency is 0.00007 (2/27341 alleles) in the Latino population and 1 hemizygote across all populations, which is greater than the ClinGen CCDS VCEP’s threshold for PM2_Supporting (<0.00002) but less than the ClinGen CCDS VCEP’s threshold for BS1 (>0.0002), such that neither of these criteria are met. The computational predictor REVEL gives a score of 0.353, which is less than the ClinGen CCDS VCEP’s threshold for PP3 (>0.75) but greater than the ClinGen CCDS VCEP’s threshold for BP4 (<0.2), such that neither of these criteria are met. There is a ClinVar entry for this variant (Variation ID: 917570, one-star review status), with conflicting interpretations of pathogenicity (one submitter: uncertain significance; one submitter: likely benign). In summary, this variant meets criteria to be classified as a variant of uncertain significance for creatine transporter deficiency. SLC6A8-specific criteria applied, as specified by the ClinGen CCDS VCEP (Specifications Version 1.1.0): no criteria met. (Classification approved by the ClinGen Cerebral Creatine Deficiency Syndromes Variant Curation Expert Panel on November 8, 2024)

Ambry Genetics
Classification: Uncertain significance for Inborn genetic diseases. Last evaluated: 2025-12-04. Review status: criteria provided, single submitter. Criteria: Ambry Variant Classification Scheme 2023. Collection method: clinical testing. Allele origin: germline. Not counted in ClinVar's aggregate classification.

Labcorp Genetics (formerly Invitae), Labcorp
Classification: Likely benign for Creatine transporter deficiency. Last evaluated: 2023-10-07. Review status: criteria provided, single submitter. Criteria: Invitae Variant Classification Sherloc (09022015). Collection method: clinical testing. Allele origin: germline. Not counted in ClinVar's aggregate classification.

Women's Health and Genetics/Laboratory Corporation of America, LabCorp
Classification: Uncertain significance. Last evaluated: 2020-01-21. Review status: criteria provided, single submitter. Criteria: LabCorp Variant Classification Summary - May 2015. Collection method: clinical testing. Allele origin: germline. Not counted in ClinVar's aggregate classification.
Comment: Variant summary: SLC6A8 c.833G>A (p.Arg278His) results in a non-conservative amino acid change in the encoded protein sequence. Five of five in-silico tools predict a damaging effect of the variant on protein function. The variant allele was found at a frequency of 1.6e-05 in 181833 control chromosomes in the gnomAD database, including 1 hemizygote. The available data on variant occurrences in the general population are insufficient to allow any conclusion about variant significance. To our knowledge, no occurrence of c.833G>A in individuals affected with Creatine deficiency, X-linked and no experimental evidence demonstrating its impact on protein function have been reported. No clinical diagnostic laboratories have submitted clinical-significance assessments for this variant to ClinVar after 2014. Based on the evidence outlined above, the variant was classified as uncertain significance.

Natera, Inc.
Classification: Uncertain significance for Creatine deficiency syndrome 1. Last evaluated: 2020-02-21. Review status: no assertion criteria provided. Collection method: clinical testing. Allele origin: germline. Not counted in ClinVar's aggregate classification.

NM_005629.4(SLC6A8):c.833G>A (p.Arg278His)

Gene: SLC6A8 (solute carrier family 6 member 8; plus strand). Cytogenetic location: Xq28.
Variant type: single nucleotide variant.
Coding change: c.833G>A on transcript NM_005629.4 (MANE Select); coding-DNA position 833, G replaced by A.
Protein change: p.Arg278His; replaces arginine 278 with histidine.
Molecular consequence: missense variant.
Genome position (GRCh38, 1-based): chrX:153,693,096, G>A. VCF-style: chrX-153693096-G-A. GRCh37 (hg19) VCF-style: chrX-152958551-G-A.
Other names: NM_005629.4(SLC6A8):c.833G>A; p.Arg278His; c.833G>A, p.Arg278His (NM_001142805.2); c.488G>A, p.Arg163His (NM_001142806.1); short protein forms R278H, R163H.
Identifiers: ClinVar variation 917570 (VCV000917570.11), dbSNP rs782802482, ClinGen allele CA10549337.